The following is an entry in ClinVar:

NM_000038.6(APC):c.2557G>T (p.Glu853Ter)

Gene: APC (APC regulator of Wnt signaling pathway; plus strand). Cytogenetic location: 5q22.2.
Variant type: single nucleotide variant.
Coding change: c.2557G>T on transcript NM_000038.6 (MANE Select); coding-DNA position 2557, G replaced by T.
Protein change: p.Glu853Ter; replaces glutamic acid 853 with a stop codon.
Molecular consequence: nonsense.
Genome position (GRCh38, 1-based): chr5:112,838,151, G>T. VCF-style: chr5-112838151-G-T. GRCh37 (hg19) VCF-style: chr5-112173848-G-T.
Other names: c.2557G>T, p.Glu853Ter (NM_001127510.3, NM_001354895.2); c.2503G>T, p.Glu835Ter (NM_001127511.3); c.2611G>T, p.Glu871Ter (NM_001354896.2); c.2587G>T, p.Glu863Ter (NM_001354897.2); c.2482G>T, p.Glu828Ter (NM_001354898.2); c.2473G>T, p.Glu825Ter (NM_001354899.2); c.2434G>T, p.Glu812Ter (NM_001354900.2); c.2380G>T, p.Glu794Ter (NM_001354901.2); and 5 more; short protein forms E570*, E693*, E727*, E752*, E762*, E794*, E812*, E825*.
Identifiers: ClinVar variation 1071632 (VCV001071632.10), dbSNP rs876659738, ClinGen allele CA16026936.

ClinVar aggregate classification (germline): Pathogenic (1 of 4 stars; one submission).

Conditions:
Familial adenomatous polyposis 1 (FAP1). Also called: POLYPOSIS, ADENOMATOUS INTESTINAL; FAMILIAL ADENOMATOUS POLYPOSIS 1, ATTENUATED. Identifiers: MedGen C2713442, MONDO:0021056, OMIM 175100. Disease mechanism: loss of function.

Submission:

Labcorp Genetics (formerly Invitae), Labcorp
Classification: Pathogenic for Familial adenomatous polyposis 1. Last evaluated: 2020-04-01. Review status: criteria provided, single submitter. Criteria: Invitae Variant Classification Sherloc (09022015). Collection method: clinical testing. Allele origin: germline.
Comment: This variant is expected to disrupt the EB1 and HDLG binding sites, which mediate interactions with the cytoskeleton (PMID: 15311282, 17293347). While functional studies have not been performed to directly test the effect on APC protein function, this suggests that disruption of the C-terminal portion of the protein is functionally important. For these reasons, this variant has been classified as Pathogenic. A different truncation (p.Tyr2645Lysfs*14) that lies downstream of this variant has been determined to be pathogenic (PMID: 9824584, 1316610, 27081525, 8381579, 22135120, Invitae). This suggests that deletion of this region of the APC protein is causative of disease. This variant has not been reported in the literature in individuals with APC-related conditions. This variant is not present in population databases (ExAC no frequency). This sequence change results in a premature translational stop signal in the APC gene (p.Glu853*). While this is not anticipated to result in nonsense mediated decay, it is expected to disrupt the last 1991 amino acids of the APC protein.

Literature cited by the submitters: PubMed 15311282; PubMed 17293347; PubMed 9824584; PubMed 1316610; PubMed 27081525; PubMed 8381579; PubMed 22135120.